The following is an entry in ClinVar:

ClinVar aggregate classification (germline): Benign. Review status: criteria provided, multiple submitters, no conflicts (2 of 4 stars). 2 submissions from 2 submitters: Benign (2). Last evaluated 2018-06-29.

Conditions:
Arginase deficiency. Also called: Arginase 1 Deficiency; ARGININEMIA; ARG1 DEFICIENCY. Identifiers: Orphanet 90, MedGen C0268548, MONDO:0008814, OMIM 207800.

Allele frequency attached by ClinVar (database versions not stated): 1000 Genomes Project 0.02596; 1000 Genomes Project 30x 0.02623; gnomAD 0.03040 and 0.03152; TOPMed 0.03397; ESP Exome Variant Server 0.03395.

Submissions (2):

GeneDx
Classification: Benign. Last evaluated: 2018-06-29. Review status: criteria provided, single submitter. Criteria: GeneDx Variant Classification Process June 2021. Collection method: clinical testing. Allele origin: germline. Affected: yes.

Illumina Laboratory Services, Illumina
Classification: Benign for Arginase deficiency. Last evaluated: 2018-01-12. Review status: criteria provided, single submitter. Criteria: ICSL Variant Classification Criteria 13 December 2019. Collection method: clinical testing. Allele origin: germline.
Comment: This variant was observed in the ICSL laboratory as part of a predisposition screen in an ostensibly healthy population. It had not been previously curated by ICSL or reported in the Human Gene Mutation Database (HGMD: prior to June 1st, 2018), and was therefore a candidate for classification through an automated scoring system. Utilizing variant allele frequency, disease prevalence and penetrance estimates, and inheritance mode, an automated score was calculated to assess if this variant is too frequent to cause the disease. Based on the score and internal cut-off values, a variant classified as benign is not then subjected to further curation. The score for this variant resulted in a classification of benign for this disease.

NM_000045.3(ARG1):c.-65C>T

Gene: ARG1 (arginase 1; plus strand). Cytogenetic location: 6q23.2.
Variant type: single nucleotide variant.
Coding change: c.-65C>T on transcript NM_000045.3; 65 bases upstream of the start codon, C replaced by T.
Genome position (GRCh38, 1-based): chr6:131,573,218, C>T. VCF-style: chr6-131573218-C-T. GRCh37 (hg19) VCF-style: chr6-131894358-C-T.
Identifiers: ClinVar variation 355315 (VCV000355315.8), dbSNP rs17788484, ClinGen allele CA10625744.